The following is an entry in ClinVar:

NM_004415.4(DSP):c.3963G>A (p.Gln1321=)

Gene: DSP (desmoplakin; plus strand). Cytogenetic location: 6p24.3.
Variant type: single nucleotide variant.
Coding change: c.3963G>A on transcript NM_004415.4 (MANE Select); coding-DNA position 3963, G replaced by A.
Protein change: p.Gln1321=; no amino-acid change (glutamine 1321 retained).
Molecular consequence: synonymous variant. On other transcripts: intron variant (1).
Genome position (GRCh38, 1-based): chr6:7,580,153, G>A. VCF-style: chr6-7580153-G-A. GRCh37 (hg19) VCF-style: chr6-7580386-G-A.
Other names: p.Gln1321=; c.3963G>A, p.Gln1321= (NM_001319034.2); c.3582+381G>A (NM_001008844.3); c.3963G>A (NM_004415.3).
Identifiers: ClinVar variation 44897 (VCV000044897.47), dbSNP rs61731476, ClinGen allele CA004313.

ClinVar aggregate classification (germline): Benign/Likely benign. Review status: criteria provided, multiple submitters, no conflicts (2 of 4 stars). 19 submissions from 17 submitters: Benign (10); Likely benign (3). 6 of the submissions do not count toward it. Last evaluated 2026-02-03.

Conditions:
Cardiovascular phenotype. Identifiers: MedGen CN230736.
Arrhythmogenic cardiomyopathy with wooly hair and keratoderma. Also called: PALMOPLANTAR KERATODERMA WITH LEFT VENTRICULAR CARDIOMYOPATHY AND WOOLLY HAIR; Arrhythmogenic cardiomyopathy with woolly hair and keratoderma; Dilated cardiomyopathy with woolly hair and keratoderma; Carvajal syndrome. Identifiers: Orphanet 65282, MedGen C1854063, MONDO:0011581, OMIM 605676.
Arrhythmogenic right ventricular dysplasia 8 (ARVD8). Also called: Arrhythmogenic Right Ventricular Dysplasia/Cardiomyopathy 8; ARRHYTHMOGENIC RIGHT VENTRICULAR DYSPLASIA, FAMILIAL, 8; ARRHYTHMOGENIC RIGHT VENTRICULAR CARDIOMYOPATHY 8. Identifiers: MedGen C1843896, MONDO:0011831, OMIM 607450.
Cardiomyopathy (CMYO). Also called: Cardiomyopathies. Identifiers: Orphanet 167848, MedGen C0878544, MONDO:0004994, HP:0001638. Inheritance: Various modes of inheritance.
Lethal acantholytic epidermolysis bullosa (EBLA). Identifiers: Orphanet 158687, MedGen C1864826, MONDO:0012323, OMIM 609638.
Woolly hair-skin fragility syndrome (WHSF). Identifiers: Orphanet 293165, MedGen C1843292, MONDO:0957307, OMIM 620415.

Allele frequency attached by ClinVar (database versions not stated): 1000 Genomes Project 30x 0.00578; 1000 Genomes Project 0.00579; TOPMed 0.01121; ESP Exome Variant Server 0.01138; gnomAD 0.01157 and 0.01161; gnomAD exomes 0.01287 and 0.01486; ExAC 0.01385.
gnomAD v4.1: 23,478 of 1,614,046 alleles (1.5%); highest among the groups gnomAD compares: Non-Finnish European, 1.6%; 197 homozygotes.

Submissions (19):

Labcorp Genetics (formerly Invitae), Labcorp
Classification: Benign for Arrhythmogenic cardiomyopathy with wooly hair and keratoderma; Arrhythmogenic right ventricular dysplasia 8. Last evaluated: 2026-02-03. Review status: criteria provided, single submitter. Criteria: Invitae Variant Classification Sherloc (09022015). Collection method: clinical testing. Allele origin: germline.

ARUP Laboratories, Molecular Genetics and Genomics, ARUP Laboratories
Classification: Benign. Last evaluated: 2025-07-22. Review status: criteria provided, single submitter. Criteria: ARUP Molecular Germline Variant Investigation Process 2024. Collection method: clinical testing. Allele origin: germline.

Mayo Clinic Laboratories, Mayo Clinic
Classification: Benign. Last evaluated: 2025-05-21. Review status: criteria provided, single submitter. Criteria: ACMG Guidelines, 2015. Collection method: clinical testing. Allele origin: germline. Observed: 35 variant alleles.
Comment: BS1, BS2, BP4, BP7

Molecular Diagnostic Laboratory for Inherited Cardiovascular Disease, Montreal Heart Institute
Classification: Benign. Last evaluated: 2025-02-17. Review status: criteria provided, single submitter. Criteria: ACMG Guidelines, 2015. Collection method: clinical testing. Allele origin: germline. Affected: no.

Blueprint Genetics
Classification: Likely benign. Last evaluated: 2024-11-26. Review status: criteria provided, single submitter. Criteria: ACMG Guidelines, 2015. Collection method: clinical testing. Allele origin: germline.

Color Diagnostics, LLC DBA Color Health
Classification: Benign for Cardiomyopathy. Last evaluated: 2018-03-15. Review status: criteria provided, single submitter. Criteria: ACMG Guidelines, 2015. Collection method: clinical testing. Allele origin: germline.

Illumina Laboratory Services, Illumina
Classification: Benign for Lethal acantholytic epidermolysis bullosa. Last evaluated: 2018-01-13. Review status: criteria provided, single submitter. Criteria: ICSL Variant Classification Criteria 13 December 2019. Collection method: clinical testing. Allele origin: germline.
Comment: This variant was observed in the ICSL laboratory as part of a predisposition screen in an ostensibly healthy population. It had not been previously curated by ICSL or reported in the Human Gene Mutation Database (HGMD: prior to June 1st, 2018), and was therefore a candidate for classification through an automated scoring system. Utilizing variant allele frequency, disease prevalence and penetrance estimates, and inheritance mode, an automated score was calculated to assess if this variant is too frequent to cause the disease. Based on the score and internal cut-off values, a variant classified as benign is not then subjected to further curation. The score for this variant resulted in a classification of benign for this disease.

Illumina Laboratory Services, Illumina
Classification: Likely benign for Arrhythmogenic right ventricular dysplasia 8. Last evaluated: 2018-01-13. Review status: criteria provided, single submitter. Criteria: ICSL Variant Classification Criteria 13 December 2019. Collection method: clinical testing. Allele origin: germline.
Comment: This variant was observed in the ICSL laboratory as part of a predisposition screen in an ostensibly healthy population. It had not been previously curated by ICSL or reported in the Human Gene Mutation Database (HGMD: prior to June 1st, 2018), and was therefore a candidate for classification through an automated scoring system. Utilizing variant allele frequency, disease prevalence and penetrance estimates, and inheritance mode, an automated score was calculated to assess if this variant is too frequent to cause the disease. Based on the score and internal cut-off values, a variant classified as likely benign is not then subjected to further curation. The score for this variant resulted in a classification of likely benign for this disease.

Illumina Laboratory Services, Illumina
Classification: Benign for Arrhythmogenic cardiomyopathy with wooly hair and keratoderma. Last evaluated: 2018-01-13. Review status: criteria provided, single submitter. Criteria: ICSL Variant Classification Criteria 13 December 2019. Collection method: clinical testing. Allele origin: germline.
Comment: the same text as in the submission from Illumina Laboratory Services, Illumina above.

Laboratory for Molecular Medicine, Mass General Brigham Personalized Medicine
Classification: Benign. Last evaluated: 2016-04-29. Review status: criteria provided, single submitter. Criteria: LMM Criteria. Collection method: clinical testing. Allele origin: germline. Observed: 51 variant alleles.
Comment: p.Gln1321Gln in exon 23 of DSP: This variant is not expected to have clinical si gnificance because it does not alter an amino acid residue and is not located wi thin the splice consensus sequence. It has been identified in 1.9% (1272/66208) of European chromosomes by the Exome Aggregation Consortium (ExAC;dbSNP rs61731476).

Ambry Genetics
Classification: Benign for Cardiovascular phenotype. Last evaluated: 2015-07-30. Review status: criteria provided, single submitter. Criteria: Ambry Variant Classification Scheme 2023. Collection method: clinical testing. Allele origin: germline.

GeneDx
Classification: Benign. Last evaluated: 2015-03-03. Review status: criteria provided, single submitter. Criteria: GeneDx Variant Classification Process June 2021. Collection method: clinical testing. Allele origin: germline. Affected: yes.

Breakthrough Genomics
Classification: Likely benign. Review status: criteria provided, single submitter. Criteria: ACMG Guidelines, 2015. Collection method: not provided. Allele origin: germline. Inheritance: Autosomal recessive inheritance. Affected: yes.

Cohesion Phenomics
Classification: Benign for Cardiomyopathy. Last evaluated: 2022-09-23. Review status: no assertion criteria provided. Criteria: ACMG Guidelines, 2015. Collection method: clinical testing. Allele origin: germline. Affected: yes. Not counted in ClinVar's aggregate classification.

Clinical Genetics DNA and cytogenetics Diagnostics Lab, Erasmus MC, Erasmus Medical Center
Classification: Benign. Review status: no assertion criteria provided. Collection method: clinical testing. Allele origin: germline. Affected: yes. Study: VKGL Data-share Consensus. Not counted in ClinVar's aggregate classification.

Clinical Genetics, Academic Medical Center
Classification: Benign. Review status: no assertion criteria provided. Collection method: clinical testing. Allele origin: germline. Affected: yes. Study: VKGL Data-share Consensus. Not counted in ClinVar's aggregate classification.

Diagnostic Laboratory, Department of Genetics, University Medical Center Groningen
Classification: Likely benign. Review status: no assertion criteria provided. Collection method: clinical testing. Allele origin: germline. Affected: yes. Study: VKGL Data-share Consensus. Not counted in ClinVar's aggregate classification.

Genome Diagnostics Laboratory, University Medical Center Utrecht
Classification: Benign. Review status: no assertion criteria provided. Collection method: clinical testing. Allele origin: germline. Affected: yes. Study: VKGL Data-share Consensus. Not counted in ClinVar's aggregate classification.

Joint Genome Diagnostic Labs from Nijmegen and Maastricht, Radboudumc and MUMC+
Classification: Benign. Review status: no assertion criteria provided. Collection method: clinical testing. Allele origin: germline. Affected: yes. Study: VKGL Data-share Consensus. Not counted in ClinVar's aggregate classification.